The following is an entry in ClinVar:

NM_004415.4(DSP):c.677A>G (p.Asn226Ser)

Gene: DSP (desmoplakin; plus strand). Cytogenetic location: 6p24.3.
Variant type: single nucleotide variant.
Coding change: c.677A>G on transcript NM_004415.4 (MANE Select); coding-DNA position 677, A replaced by G.
Protein change: p.Asn226Ser; replaces asparagine 226 with serine.
Molecular consequence: missense variant.
Genome position (GRCh38, 1-based): chr6:7,562,731, A>G. VCF-style: chr6-7562731-A-G. GRCh37 (hg19) VCF-style: chr6-7562964-A-G.
Other names: c.677A>G, p.Asn226Ser (NM_001008844.3, NM_001319034.2); short protein forms N226S.
Identifiers: ClinVar variation 840093 (VCV000840093.17), dbSNP rs921332894, ClinGen allele CA133953255.
Genomic context (GRCh38, chr6:7,562,731, plus strand): 5'-CCTGGGGTGTGGACCTGGCCTCAGTGGAGCAGCACATTAACAGCCACCGGGGCATCCACA[A>G]CTCCATCGGCGACTATCGCTGGCAGCTGGACAAAATCAAAGCCGACCTGGTACTTGTCTG-3'
Protein context (NP_004406.2, residues 216-236): QHINSHRGIH[Asn226Ser]SIGDYRWQLD

ClinVar aggregate classification (germline): Uncertain significance. Review status: criteria provided, multiple submitters, no conflicts (2 of 4 stars). 6 submissions from 6 submitters: Uncertain significance (6). Last evaluated 2024-10-16.

Conditions:
Arrhythmogenic right ventricular dysplasia 8 (ARVD8). Also called: Arrhythmogenic Right Ventricular Dysplasia/Cardiomyopathy 8; ARRHYTHMOGENIC RIGHT VENTRICULAR DYSPLASIA, FAMILIAL, 8; ARRHYTHMOGENIC RIGHT VENTRICULAR CARDIOMYOPATHY 8. Identifiers: MedGen C1843896, MONDO:0011831, OMIM 607450.
Arrhythmogenic cardiomyopathy with wooly hair and keratoderma. Also called: Arrhythmogenic cardiomyopathy with woolly hair and keratoderma; PALMOPLANTAR KERATODERMA WITH LEFT VENTRICULAR CARDIOMYOPATHY AND WOOLLY HAIR; Carvajal syndrome; Dilated cardiomyopathy with woolly hair and keratoderma. Identifiers: Orphanet 65282, MedGen C1854063, MONDO:0011581, OMIM 605676.
Cardiomyopathy (CMYO). Also called: Cardiomyopathies. Identifiers: Orphanet 167848, MedGen C0878544, MONDO:0004994, HP:0001638. Inheritance: Various modes of inheritance.
Woolly hair-skin fragility syndrome (WHSF). Identifiers: Orphanet 293165, MedGen C1843292, MONDO:0957307, OMIM 620415.
Cardiomyopathy, dilated, with wooly hair, keratoderma, and tooth agenesis. Also called: Erythrokeratodermia-cardiomyopathy syndrome; Cardiomyopathy, dilated, with woolly hair, keratoderma, and tooth agenesis. Identifiers: Orphanet 476096, Orphanet 65282, MedGen C4014393, MONDO:0014355, OMIM 615821.
Lethal acantholytic epidermolysis bullosa (EBLA). Identifiers: Orphanet 158687, MedGen C1864826, MONDO:0012323, OMIM 609638.
Keratosis palmoplantaris striata 2. Also called: KERATODERMA, PALMOPLANTAR, STRIATE FORM II; STRIATE PALMOPLANTAR KERATODERMA II; Keratosis palmoplantaris striata II. Identifiers: MedGen C1852127, MONDO:0013034, OMIM 612908.
Cardiovascular phenotype. Identifiers: MedGen CN230736.

Allele frequency attached by ClinVar (database versions not stated): gnomAD exomes below 0.00001; gnomAD 0.00001; TOPMed 0.00003.
gnomAD v4.1: 3 of 1,613,736 alleles (0.00019%); highest among the groups gnomAD compares: African/African-American, 0.004%; no homozygotes.

Submissions (6):

Labcorp Genetics (formerly Invitae), Labcorp
Classification: Uncertain significance for Arrhythmogenic cardiomyopathy with wooly hair and keratoderma; Arrhythmogenic right ventricular dysplasia 8. Last evaluated: 2024-10-16. Review status: criteria provided, single submitter. Criteria: Invitae Variant Classification Sherloc (09022015). Collection method: clinical testing. Allele origin: germline.
Comment: This sequence change replaces asparagine, which is neutral and polar, with serine, which is neutral and polar, at codon 226 of the DSP protein (p.Asn226Ser). This variant is not present in population databases (gnomAD no frequency). This variant has not been reported in the literature in individuals affected with DSP-related conditions. ClinVar contains an entry for this variant (Variation ID: 840093). An algorithm developed to predict the effect of missense changes on protein structure and function (PolyPhen-2) suggests that this variant is likely to be disruptive. In summary, the available evidence is currently insufficient to determine the role of this variant in disease. Therefore, it has been classified as a Variant of Uncertain Significance.

Color Diagnostics, LLC DBA Color Health
Classification: Uncertain significance for Cardiomyopathy. Last evaluated: 2024-03-06. Review status: criteria provided, single submitter. Criteria: ACMG Guidelines, 2015. Collection method: clinical testing. Allele origin: germline.
Comment: This missense variant replaces asparagine with serine at codon 226 of the DSP protein. Computational prediction suggests that this variant may not impact protein structure and function (internally defined REVEL score threshold <= 0.5, PMID: 27666373). To our knowledge, functional studies have not been reported for this variant. This variant has not been reported in individuals affected with cardiovascular disorders in the literature. This variant has not been identified in the general population by the Genome Aggregation Database (gnomAD). The available evidence is insufficient to determine the role of this variant in disease conclusively. Therefore, this variant is classified as a Variant of Uncertain Significance.

Ambry Genetics
Classification: Uncertain significance for Cardiovascular phenotype. Last evaluated: 2024-02-22. Review status: criteria provided, single submitter. Criteria: Ambry Variant Classification Scheme 2023. Collection method: clinical testing. Allele origin: germline.
Comment: The p.N226S variant (also known as c.677A>G), located in coding exon 5 of the DSP gene, results from an A to G substitution at nucleotide position 677. The asparagine at codon 226 is replaced by serine, an amino acid with highly similar properties. This amino acid position is well conserved in available vertebrate species; however, serine is the reference amino acid in other vertebrate species. In addition, this alteration is predicted to be tolerated by in silico analysis. Since supporting evidence is limited at this time, the clinical significance of this alteration remains unclear.

All of Us Research Program, National Institutes of Health
Classification: Uncertain significance for Arrhythmogenic cardiomyopathy with wooly hair and keratoderma. Last evaluated: 2024-02-05. Review status: criteria provided, single submitter. Criteria: ACMG Guidelines, 2015. Collection method: clinical testing. Allele origin: germline. Inheritance: Autosomal dominant inheritance. Observed: 4 variant alleles, 4 heterozygotes.
Comment: This missense variant replaces asparagine with serine at codon 226 of the DSP protein. Computational prediction suggests that this variant may not impact protein structure and function (internally defined REVEL score threshold <= 0.5, PMID: 27666373). To our knowledge, functional studies have not been reported for this variant. This variant has not been reported in individuals affected with cardiovascular disorders in the literature. This variant has not been identified in the general population by the Genome Aggregation Database (gnomAD). The available evidence is insufficient to determine the role of this variant in disease conclusively. Therefore, this variant is classified as a Variant of Uncertain Significance.

This study involves interpretation of variants in research participants for the purpose of population health screening. Participant phenotype was not available at the time of variant classification. Additional details can be found in publication PMID: 35346344, PMCID: PMC8962531

Fulgent Genetics
Classification: Uncertain significance for Arrhythmogenic cardiomyopathy with wooly hair and keratoderma; Arrhythmogenic right ventricular dysplasia 8; Lethal acantholytic epidermolysis bullosa; Keratosis palmoplantaris striata 2; Cardiomyopathy, dilated, with wooly hair, keratoderma, and tooth agenesis. Last evaluated: 2021-09-29. Review status: criteria provided, single submitter. Criteria: ACMG Guidelines, 2015. Collection method: clinical testing. Allele origin: unknown.

GeneDx
Classification: Uncertain significance. Last evaluated: 2019-10-18. Review status: criteria provided, single submitter. Criteria: GeneDx Variant Classification Process June 2021. Collection method: clinical testing. Allele origin: germline. Affected: yes.
Comment: Has not been previously published as pathogenic or benign to our knowledge; Not observed in large population cohorts (Lek et al., 2016); In silico analysis, which includes protein predictors and evolutionary conservation, supports that this variant does not alter protein structure/function